The following is an entry in ClinVar:

NM_025132.4(WDR19):c.3184-3C>T

Gene: WDR19 (WD repeat domain 19; plus strand). Cytogenetic location: 4p14.
Variant type: single nucleotide variant.
Coding change: c.3184-3C>T on transcript NM_025132.4 (MANE Select); 3 bases into the intron before coding-DNA position 3184, C replaced by T.
Molecular consequence: intron variant.
Genome position (GRCh38, 1-based): chr4:39,266,060, C>T. VCF-style: chr4-39266060-C-T. GRCh37 (hg19) VCF-style: chr4-39267680-C-T.
Other names: c.2704-3C>T (NM_001317924.2).
Identifiers: ClinVar variation 1508929 (VCV001508929.4), dbSNP rs750130004, ClinGen allele CA2892298.

ClinVar aggregate classification (germline): Uncertain significance. Review status: criteria provided, multiple submitters, no conflicts (2 of 4 stars). 2 submissions from 2 submitters: Uncertain significance (2). Last evaluated 2022-02-24.

Conditions:
Asphyxiating thoracic dystrophy 5 (SRTD5). Also called: SHORT-RIB THORACIC DYSPLASIA 5 WITH OR WITHOUT POLYDACTYLY; SHORT-RIB THORACIC DYSPLASIA 5 WITHOUT POLYDACTYLY. Identifiers: Orphanet 474, MedGen C3280598, MONDO:0013717, OMIM 614376.
Senior-Loken syndrome 8 (SLSN8). Identifiers: Orphanet 3156, MedGen C4225376, MONDO:0014579, OMIM 616307.

Allele frequency attached by ClinVar (database versions not stated): gnomAD exomes 0.00002 and 0.00004; ExAC 0.00005.
gnomAD v4.1: 29 of 1,553,232 alleles (0.0019%); highest among the groups gnomAD compares: South Asian, 0.032%; no homozygotes.

Submissions (2):

Blueprint Genetics
Classification: Uncertain significance. Last evaluated: 2022-02-24. Review status: criteria provided, single submitter. Criteria: ACMG Guidelines, 2015. Collection method: clinical testing. Allele origin: germline.

Labcorp Genetics (formerly Invitae), Labcorp
Classification: Uncertain significance for Senior-Loken syndrome 8; Asphyxiating thoracic dystrophy 5. Last evaluated: 2021-08-04. Review status: criteria provided, single submitter. Criteria: Invitae Variant Classification Sherloc (09022015). Collection method: clinical testing. Allele origin: germline.
Comment: This sequence change falls in intron 28 of the WDR19 gene. It does not directly change the encoded amino acid sequence of the WDR19 protein. It affects a nucleotide within the consensus splice site of the intron. This variant is present in population databases (rs750130004, ExAC 0.01%). This variant has not been reported in the literature in individuals with WDR19-related conditions. Nucleotide substitutions within the consensus splice site are a relatively common cause of aberrant splicing (PMID: 17576681, 9536098). Algorithms developed to predict the effect of sequence changes on RNA splicing suggest that this variant is not likely to affect RNA splicing, but this prediction has not been confirmed by published transcriptional studies. In summary, the available evidence is currently insufficient to determine the role of this variant in disease. Therefore, it has been classified as a Variant of Uncertain Significance.

Literature cited by the submitters: PubMed 17576681 (cited by Labcorp Genetics (formerly Invitae), Labcorp); PubMed 9536098 (cited by Labcorp Genetics (formerly Invitae), Labcorp).